The following is an entry in ClinVar:

NM_014491.4(FOXP2):c.1183-4A>G

Gene: FOXP2 (forkhead box P2; plus strand). Cytogenetic location: 7q31.1.
Variant type: single nucleotide variant.
Coding change: c.1183-4A>G on transcript NM_014491.4 (MANE Select); 4 bases into the intron before coding-DNA position 1183, A replaced by G.
Molecular consequence: intron variant.
Genome position (GRCh38, 1-based): chr7:114,653,922, A>G. VCF-style: chr7-114653922-A-G. GRCh37 (hg19) VCF-style: chr7-114293977-A-G.
Other names: c.1258-4A>G (NM_148898.4, NM_001172767.2); c.1234-4A>G (NM_148900.4); c.1180-4A>G (NM_001172766.3); c.1183-4A>G (NM_148899.3).
Identifiers: ClinVar variation 2505699 (VCV002505699.2), dbSNP rs2485453683, ClinGen allele CA2580617081.

ClinVar aggregate classification (germline): Uncertain significance (1 of 4 stars; one submission).

Submission:

GeneDx
Classification: Uncertain significance. Last evaluated: 2023-11-25. Review status: criteria provided, single submitter. Criteria: GeneDx Variant Classification Process June 2021. Collection method: clinical testing. Allele origin: germline. Affected: yes.
Comment: Not observed at significant frequency in large population cohorts (gnomAD); In silico analysis supports a deleterious effect on splicing; Has not been previously published as pathogenic or benign to our knowledge